The following is an entry in ClinVar:

NM_016216.4(DBR1):c.97C>T (p.Leu33Phe)

Genes: DBR1 (debranching RNA lariats 1; minus strand), LOC129937648 (ATAC-STARR-seq lymphoblastoid active region 20601; plus strand). Cytogenetic location: 3q22.3.
Variant type: single nucleotide variant.
Coding change: c.97C>T on transcript NM_016216.4 (MANE Select); coding-DNA position 97, C replaced by T.
Protein change: p.Leu33Phe; replaces leucine 33 with phenylalanine.
Molecular consequence: missense variant.
Genome position (GRCh38, 1-based): chr3:138,174,699, G>A on the plus strand (C>T on the coding strand, the complement: DBR1 is on the minus strand). VCF-style: chr3-138174699-G-A. GRCh37 (hg19) VCF-style: chr3-137893541-G-A.
Other names: c.97C>T (NM_016216.3); short protein forms L33F.
Identifiers: ClinVar variation 1975825 (VCV001975825.3), dbSNP rs746994399, ClinGen allele CA2635981.

ClinVar aggregate classification (germline): Uncertain significance. Review status: criteria provided, multiple submitters, no conflicts (2 of 4 stars). 2 submissions from 2 submitters: Uncertain significance (2). Last evaluated 2025-08-20.

Conditions:
Inborn genetic diseases. Identifiers: MedGen C0950123, MeSH D030342.

Allele frequency attached by ClinVar (database versions not stated): gnomAD 0.00001; gnomAD exomes 0.00001; ExAC 0.00002; TOPMed 0.00003.

Submissions (2):

Ambry Genetics
Classification: Uncertain significance for Inborn genetic diseases. Last evaluated: 2025-08-20. Review status: criteria provided, single submitter. Criteria: Ambry Variant Classification Scheme 2023. Collection method: clinical testing. Allele origin: germline.

Labcorp Genetics (formerly Invitae), Labcorp
Classification: Uncertain significance. Last evaluated: 2022-08-07. Review status: criteria provided, single submitter. Criteria: Invitae Variant Classification Sherloc (09022015). Collection method: clinical testing. Allele origin: germline.
Comment: This sequence change replaces leucine, which is neutral and non-polar, with phenylalanine, which is neutral and non-polar, at codon 33 of the DBR1 protein (p.Leu33Phe). This variant is present in population databases (rs746994399, gnomAD 0.01%). This variant has not been reported in the literature in individuals affected with DBR1-related conditions. Algorithms developed to predict the effect of missense changes on protein structure and function are either unavailable or do not agree on the potential impact of this missense change (SIFT: "Deleterious"; PolyPhen-2: "Probably Damaging"; Align-GVGD: "Class C15"). In summary, the available evidence is currently insufficient to determine the role of this variant in disease. Therefore, it has been classified as a Variant of Uncertain Significance.